The following is an entry in ClinVar:

NM_000254.3(MTR):c.388G>A (p.Glu130Lys)

Gene: MTR (5-methyltetrahydrofolate-homocysteine methyltransferase; plus strand). Cytogenetic location: 1q43.
Variant type: single nucleotide variant.
Coding change: c.388G>A on transcript NM_000254.3 (MANE Select); coding-DNA position 388, G replaced by A.
Protein change: p.Glu130Lys; replaces glutamic acid 130 with lysine.
Molecular consequence: missense variant. On other transcripts: 5 prime UTR variant (1).
Genome position (GRCh38, 1-based): chr1:236,808,752, G>A. VCF-style: chr1-236808752-G-A. GRCh37 (hg19) VCF-style: chr1-236972052-G-A.
Other names: c.388G>A, p.Glu130Lys (NM_001291939.1); c.-721G>A (NM_001291940.2); short protein forms E130K.
Identifiers: ClinVar variation 1522046 (VCV001522046.5), dbSNP rs755894287, ClinGen allele CA1473721.

ClinVar aggregate classification (germline): Uncertain significance (1 of 4 stars; one submission).

Conditions:
Methylcobalamin deficiency type cblG (HMAG). Also called: HOMOCYSTINURIA-MEGALOBLASTIC ANEMIA, cblG COMPLEMENTATION TYPE; Functional methionine synthase deficiency type cblG; HOMOCYSTINURIA-MEGALOBLASTIC ANEMIA, cblG TYPE; HOMOCYSTINURIA-MEGALOBLASTIC ANEMIA DUE TO DEFECT IN COBALAMIN METABOLISM, cblG COMPLEMENTATION TYPE. Identifiers: Orphanet 2170, Orphanet 622, MedGen C1855128, MONDO:0009609, OMIM 250940.

Allele frequency attached by ClinVar (database versions not stated): gnomAD exomes 0.00001; ExAC 0.00002; gnomAD 0.00002; TOPMed 0.00002.
gnomAD v4.1: 11 of 1,614,068 alleles (0.00068%); highest among the groups gnomAD compares: Admixed American, 0.0067%; no homozygotes.

Submission:

Labcorp Genetics (formerly Invitae), Labcorp
Classification: Uncertain significance for Methylcobalamin deficiency type cblG. Last evaluated: 2021-08-28. Review status: criteria provided, single submitter. Criteria: Invitae Variant Classification Sherloc (09022015). Collection method: clinical testing. Allele origin: germline.
Comment: This sequence change replaces glutamic acid with lysine at codon 130 of the MTR protein (p.Glu130Lys). The glutamic acid residue is moderately conserved and there is a small physicochemical difference between glutamic acid and lysine. This variant is present in population databases (rs755894287, ExAC 0.02%). This variant has not been reported in the literature in individuals affected with MTR-related conditions. Algorithms developed to predict the effect of missense changes on protein structure and function are either unavailable or do not agree on the potential impact of this missense change (SIFT: "Deleterious"; PolyPhen-2: "Benign"; Align-GVGD: "Class C0"). In summary, the available evidence is currently insufficient to determine the role of this variant in disease. Therefore, it has been classified as a Variant of Uncertain Significance.